The following is an entry in ClinVar:

NM_000098.3(CPT2):c.978_979delinsTTCT (p.Leu327fs)

Gene: CPT2 (carnitine palmitoyltransferase 2; plus strand). Cytogenetic location: 1p32.3.
Variant type: Indel.
Coding change: c.978_979delinsTTCT on transcript NM_000098.3 (MANE Select); coding-DNA positions 978 to 979, CC replaced by TTCT.
Protein change: p.Leu327fs; shifts the reading frame from leucine 327.
Molecular consequence: frameshift variant.
Genome position (GRCh38, 1-based): chr1:53,210,652-53,210,653, CC replaced by TTCT. VCF-style: chr1-53210652-CC-TTCT. GRCh37 (hg19) VCF-style: chr1-53676324-CC-TTCT.
Other names: c.978_979delinsTTCT, p.Leu327fs (NM_001330589.2); short protein forms L327fs.
Identifiers: ClinVar variation 5004212 (VCV005004212.1).

ClinVar aggregate classification (germline): Pathogenic (1 of 4 stars; one submission).

Conditions:
Carnitine palmitoyltransferase II deficiency. Also called: Carnitine Palmitoyltransferase 2 Deficiency. Identifiers: Orphanet 157, MedGen C0342790, MONDO:0015515.

Submission:

Myriad Genetics, Inc.
Classification: Pathogenic for Carnitine palmitoyltransferase II deficiency. Last evaluated: 2025-10-08. Review status: criteria provided, single submitter. Criteria: Myriad Autosomal Dominant, Autosomal Recessive and X-Linked Classification Criteria (2023). Collection method: clinical testing. Allele origin: unknown.
Comment: NM_000098.2(CPT2):c.978_979delCCinsTTCT(L327Sfs*2) is a frameshift variant classified as pathogenic in the context of carnitine palmitoyltransferase II deficiency. L327Sfs*2 has not been observed in cases with relevant disease. Relevant functional assessments of this variant are not available in the literature. L327Sfs*2 has not been observed in referenced population frequency databases. In summary, NM_000098.2(CPT2):c.978_979delCCinsTTCT(L327Sfs*2) is a frameshift variant in a gene where loss of function is a known mechanism of disease and is predicted to disrupt protein function. Please note: this variant was assessed in the context of healthy population screening.